The following is an entry in ClinVar:

NM_000091.5(COL4A3):c.2162del (p.Gly721fs)

Genes: COL4A3 (collagen type IV alpha 3 chain; plus strand), MFF-DT (MFF divergent transcript; minus strand). Cytogenetic location: 2q36.3.
Variant type: Deletion.
Coding change: c.2162del on transcript NM_000091.5 (MANE Select); coding-DNA position 2162, one base deleted (G; older notation c.2162delG).
Protein change: p.Gly721fs; shifts the reading frame from glycine 721.
Molecular consequence: frameshift variant.
Genome position (GRCh38, 1-based): chr2:227,279,829, G deleted; the last of 3 consecutive G bases (chr2:227,279,827-227,279,829); deleting any one gives the same sequence. VCF-style (leftmost placement, unchanged base first): chr2-227279826-TG-T. GRCh37 (hg19) VCF-style: chr2-228144542-TG-T.
Other names: c.2162delG (NM_000091.4); short protein forms G721fs.
Identifiers: ClinVar variation 635447 (VCV000635447.16), dbSNP rs1399954090, ClinGen allele CA539900151.

ClinVar aggregate classification (germline): Pathogenic. Review status: criteria provided, multiple submitters, no conflicts (2 of 4 stars). 4 submissions from 4 submitters: Pathogenic (3). 1 of the submissions does not count toward it. Last evaluated 2020-08-27.

Conditions:
Alport syndrome. Also called: Hemorrhagic familial nephritis; Hemorrhagic hereditary nephritis; Congenital hereditary hematuria. Identifiers: Orphanet 63, MedGen C1567741, MONDO:0018965.
Autosomal dominant Alport syndrome (ATS3A). Also called: ALPORT SYNDROME 3A, AUTOSOMAL DOMINANT; Alport syndrome dominant type; Renal failure and sensorineural hearing loss. Identifiers: Orphanet 63, Orphanet 88918, MedGen C5882663, MONDO:0007086, OMIM 104200.
Alport syndrome 3b, autosomal recessive. Identifiers: MedGen C5882699, MONDO:0957811, OMIM 620536.

Submissions (4):

Labcorp Genetics (formerly Invitae), Labcorp
Classification: Pathogenic. Last evaluated: 2020-08-27. Review status: criteria provided, single submitter. Criteria: Invitae Variant Classification Sherloc (09022015). Collection method: clinical testing. Allele origin: germline.
Comment: This sequence change creates a premature translational stop signal (p.Gly721Valfs*26) in the COL4A3 gene. It is expected to result in an absent or disrupted protein product. This variant is not present in population databases (ExAC no frequency). This variant has been observed in individual(s) with clinical features of Alport syndrome (PMID: 30295827, 31625567). ClinVar contains an entry for this variant (Variation ID: 635447). Loss-of-function variants in COL4A3 are known to be pathogenic (PMID: 8956999, 24854265). For these reasons, this variant has been classified as Pathogenic.

Victorian Clinical Genetics Services, Murdoch Childrens Research Institute
Classification: Pathogenic for Alport syndrome. Last evaluated: 2020-06-11. Review status: criteria provided, single submitter. Criteria: ACMG Guidelines, 2015. Collection method: clinical testing. Allele origin: germline. Inheritance: Autosomal recessive inheritance.
Comment: Based on the classification scheme VCGS_Germline_v1.1.1, this variant is classified as pathogenic. Following criteria are met: 0102 - Loss-of-function is a known mechanism of disease for this gene. (N) 0104 - Dominant Negative is a mechanism of disease for this gene. (N) 0108 - This gene is known to be associated with both recessive and dominant disease. Missense variants affecting a glycine within the triple helical repeat are associated with dominant forms of disease, while truncating variants are associated with recessive forms of disease (OMIM, PMID: 30450445). (N) 0201 - Variant is predicted to cause nonsense-mediated decay (NMD) and loss of protein (exon 29 of 52). (P) 0252 - Variant is homozygous. (N) 0304 - Variant is present in gnomAD v2 <0.01 for a recessive condition (3 heterozygotes, 0 homozygotes). (P) 0701 - Comparable variants have very strong previous evidence for pathogenicity. Other variants also predicted to undergo NMD, have been reported in many homozygous and compound heterozygous patients with recessive Alports syndrome (OMIM, ClinVar, PMID: 29854973). (P) 0803 - Low previous evidence of pathogenicity in unrelated individuals. This variant has been reported in two homozygous families with recessive Alport syndrome (PMID: 31625567). It has also been reported as a VUS (Decipher) and pathogenic (ClinVar) in two heterozygous individuals, where the latter had dominant Alport syndrome. (N) Legend: (P) - Pathogenic, (N) - Neutral, (B) - Benign

Juno Genomics, Hangzhou Juno Genomics, Inc
Classification: Pathogenic for Alport syndrome 3b, autosomal recessive. Review status: criteria provided, single submitter. Criteria: ACMG Guidelines, 2015. Collection method: clinical testing. Allele origin: germline.
Comment: Absent from controls (or at extremely low frequency if recessive) in Genome Aggregation Database.;Null variant in a gene where loss of function (LOF) is a known mechanism of disease.;For recessive disorders, detected in trans with a pathogenic variant.

Bioscientia Institut fuer Medizinische Diagnostik GmbH, Sonic Healthcare
Classification: Pathogenic for Autosomal dominant Alport syndrome. Last evaluated: 2018-11-12. Review status: no assertion criteria provided. Collection method: clinical testing. Allele origin: germline. Affected: yes. Not counted in ClinVar's aggregate classification.

Literature cited by the submitters: PubMed 30295827 (cited by Labcorp Genetics (formerly Invitae), Labcorp); PubMed 31625567 (cited by Labcorp Genetics (formerly Invitae), Labcorp and Victorian Clinical Genetics Services, Murdoch Childrens Research Institute); PubMed 8956999 (cited by Labcorp Genetics (formerly Invitae), Labcorp); PubMed 24854265 (cited by Labcorp Genetics (formerly Invitae), Labcorp); PubMed 29854973 (cited by Victorian Clinical Genetics Services, Murdoch Childrens Research Institute); PubMed 30450445 (cited by Victorian Clinical Genetics Services, Murdoch Childrens Research Institute).